The following is an entry in ClinVar:

NM_004341.5(CAD):c.3098G>A (p.Arg1033Gln)

Gene: CAD (carbamoyl-phosphate synthetase 2, aspartate transcarbamylase, and dihydroorotase; plus strand). Cytogenetic location: 2p23.3.
Variant type: single nucleotide variant.
Coding change: c.3098G>A on transcript NM_004341.5 (MANE Select); coding-DNA position 3098, G replaced by A.
Protein change: p.Arg1033Gln; replaces arginine 1033 with glutamine.
Molecular consequence: missense variant.
Genome position (GRCh38, 1-based): chr2:27,233,418, G>A. VCF-style: chr2-27233418-G-A. GRCh37 (hg19) VCF-style: chr2-27456286-G-A.
Other names: c.2909G>A, p.Arg970Gln (NM_001306079.2); c.3098G>A (NM_004341.4); short protein forms R1033Q, R970Q.
Identifiers: ClinVar variation 1188501 (VCV001188501.12), dbSNP rs377122535, ClinGen allele CA1573198.

ClinVar aggregate classification (germline): Conflicting classifications of pathogenicity. Review status: criteria provided, conflicting classifications (1 of 4 stars). 4 submissions from 4 submitters: Pathogenic (1); Uncertain significance (3). Last evaluated 2026-10-15.

Conditions:
CAD-related disorder. Also called: CAD-related condition.

Allele frequency attached by ClinVar (database versions not stated): gnomAD exomes 0.00003; TOPMed 0.00003; ExAC 0.00004; gnomAD 0.00001; ESP Exome Variant Server 0.00008.
gnomAD v4.1: 44 of 1,614,098 alleles (0.0027%); highest among the groups gnomAD compares: Non-Finnish European, 0.0033%; no homozygotes.

Submissions (4):

GeneDx
Classification: Pathogenic. Last evaluated: 2026-10-15. Review status: criteria provided, single submitter. Criteria: GeneDx Variant Classification Process June 2021. Collection method: clinical testing. Allele origin: germline.
Comment: Published functional studies demonstrate a damaging effect on CAD activity (PMID: 32461667); In silico analysis indicates that this missense variant does not alter protein structure/function; Not observed at significant frequency in large population cohorts (gnomAD); This variant is associated with the following publications: (PMID: 32461667, 35242569)

PreventionGenetics, part of Exact Sciences
Classification: Uncertain significance for CAD-related condition. Last evaluated: 2026-06-27. Review status: criteria provided, single submitter. Criteria: ACMG Guidelines, 2015. Collection method: clinical testing. Allele origin: germline.
Comment: The CAD c.3098G>A variant is predicted to result in the amino acid substitution p.Arg1033Gln. This variant was reported in the homozygous state in an individual with CAD deficiency; however, this patient also carried a causative variant in GNB5 (Del Caño-Ochoa et al. 2020. PubMed ID: 32461667). This variant is reported in 0.0054% of alleles in individuals of East Asian descent in gnomAD. At this time, the clinical significance of this variant is uncertain due to the absence of conclusive functional and genetic evidence.

Women's Health and Genetics/Laboratory Corporation of America, LabCorp
Classification: Uncertain significance. Last evaluated: 2024-05-14. Review status: criteria provided, single submitter. Criteria: LabCorp Variant Classification Summary - May 2015. Collection method: clinical testing. Allele origin: germline.
Comment: Variant summary: CAD c.3098G>A (p.Arg1033Gln) results in a conservative amino acid change in the encoded protein sequence. Four of five in-silico tools predict a damaging effect of the variant on protein function. The variant allele was found at a frequency of 2.8e-05 in 251346 control chromosomes. c.3098G>A has been reported in the literature in one individual affected with a dual diagnosis of CAD deficiency and a recessive intellectual developmental disorder with cardiac arrhythmia Early Infantile, co-occurring with a homozygous pathogenic c.249+3A>G variant in GNB5 (del Cano-Ochoa_2020). These report(s) do not provide unequivocal conclusions about association of the variant with Early Infantile Epileptic Encephalopathy, 50. At least one publication reports experimental evidence evaluating an impact on protein function. The most pronounced variant effect results in failure of growth in a human CAD knockout cell line (del Cano-Ochoa_2020). The following publication has been ascertained in the context of this evaluation (PMID: 32461667). ClinVar contains an entry for this variant (Variation ID: 1188501). Based on the evidence outlined above, the variant was classified as VUS-possibly pathogenic.

Labcorp Genetics (formerly Invitae), Labcorp
Classification: Uncertain significance. Last evaluated: 2022-02-05. Review status: criteria provided, single submitter. Criteria: Invitae Variant Classification Sherloc (09022015). Collection method: clinical testing. Allele origin: germline.
Comment: This sequence change replaces arginine, which is basic and polar, with glutamine, which is neutral and polar, at codon 1033 of the CAD protein (p.Arg1033Gln). This variant is present in population databases (rs377122535, gnomAD 0.006%). This missense change has been observed in individual(s) with clinical features of CAD-related conditions (PMID: 32461667). ClinVar contains an entry for this variant (Variation ID: 1188501). Algorithms developed to predict the effect of missense changes on protein structure and function are either unavailable or do not agree on the potential impact of this missense change (SIFT: "Deleterious"; PolyPhen-2: "Possibly Damaging"; Align-GVGD: "Class C0"). Experimental studies have shown that this missense change affects CAD function (PMID: 32461667). In summary, the available evidence is currently insufficient to determine the role of this variant in disease. Therefore, it has been classified as a Variant of Uncertain Significance.

Literature cited by the submitters: PubMed 32461667 (cited by Women's Health and Genetics/Laboratory Corporation of America, LabCorp and Labcorp Genetics (formerly Invitae), Labcorp).